The following is an entry in ClinVar:

NM_144997.7(FLCN):c.1538+13G>A

Gene: FLCN (folliculin; minus strand). Cytogenetic location: 17p11.2.
Variant type: single nucleotide variant.
Coding change: c.1538+13G>A on transcript NM_144997.7 (MANE Select); 13 bases into the intron after coding-DNA position 1538, G replaced by A.
Molecular consequence: intron variant.
Genome position (GRCh38, 1-based): chr17:17,214,972, C>T on the plus strand (G>A on the coding strand, the complement: FLCN is on the minus strand). VCF-style: chr17-17214972-C-T. GRCh37 (hg19) VCF-style: chr17-17118286-C-T.
Other names: c.1538+13G>A (NM_001353231.2, NM_001353230.2); c.1592+13G>A (NM_001353229.2).
Identifiers: ClinVar variation 2746545 (VCV002746545.3), dbSNP rs2544140160, ClinGen allele CA2697559474.

ClinVar aggregate classification (germline): Uncertain significance (1 of 4 stars; one submission).

Conditions:
Birt-Hogg-Dube syndrome. Also called: Birt Hogg Dubé syndrome. Identifiers: Orphanet 122, MedGen C0346010, MONDO:0800444.

Submission:

Labcorp Genetics (formerly Invitae), Labcorp
Classification: Uncertain significance for Birt-Hogg-Dube syndrome. Last evaluated: 2023-07-25. Review status: criteria provided, single submitter. Criteria: Invitae Variant Classification Sherloc (09022015). Collection method: clinical testing. Allele origin: germline.
Comment: This sequence change falls in intron 13 of the FLCN gene. It does not directly change the encoded amino acid sequence of the FLCN protein. This variant is not present in population databases (gnomAD no frequency). This variant has not been reported in the literature in individuals affected with FLCN-related conditions. Algorithms developed to predict the effect of sequence changes on RNA splicing suggest that this variant may disrupt the consensus splice site. In summary, the available evidence is currently insufficient to determine the role of this variant in disease. Therefore, it has been classified as a Variant of Uncertain Significance.